The following is an entry in ClinVar:

NM_000400.4(ERCC2):c.1282A>G (p.Ile428Val)

Gene: ERCC2 (ERCC excision repair 2, TFIIH core complex helicase subunit; minus strand). Cytogenetic location: 19q13.32.
Variant type: single nucleotide variant.
Coding change: c.1282A>G on transcript NM_000400.4 (MANE Select); coding-DNA position 1282, A replaced by G.
Protein change: p.Ile428Val; replaces isoleucine 428 with valine.
Molecular consequence: missense variant.
Genome position (GRCh38, 1-based): chr19:45,357,655, T>C on the plus strand (A>G on the coding strand, the complement: ERCC2 is on the minus strand). VCF-style: chr19-45357655-T-C. GRCh37 (hg19) VCF-style: chr19-45860913-T-C.
Other names: short protein forms I428V.
Identifiers: ClinVar variation 1768200 (VCV001768200.2), dbSNP rs2514013952, ClinGen allele CA406368050.

ClinVar aggregate classification (germline): Uncertain significance (1 of 4 stars; one submission).

Conditions:
Inborn genetic diseases. Identifiers: MedGen C0950123, MeSH D030342.

Allele frequency attached by ClinVar (database versions not stated): gnomAD exomes 0.00001.
gnomAD v4.1: 7 of 1,614,006 alleles (0.00043%); highest among the groups gnomAD compares: Non-Finnish European, 0.00059%; no homozygotes.

Submission:

Ambry Genetics
Classification: Uncertain significance for Inborn genetic diseases. Last evaluated: 2022-08-23. Review status: criteria provided, single submitter. Criteria: Ambry Variant Classification Scheme 2023. Collection method: clinical testing. Allele origin: germline.
Comment: The p.I428V variant (also known as c.1282A>G), located in coding exon 13 of the ERCC2 gene, results from an A to G substitution at nucleotide position 1282. The isoleucine at codon 428 is replaced by valine, an amino acid with highly similar properties. This amino acid position is conserved. In addition, the in silico prediction for this alteration is inconclusive. Since supporting evidence is limited at this time, the clinical significance of this alteration remains unclear.